The following is an entry in ClinVar:

ClinVar aggregate classification (germline): Pathogenic/Likely pathogenic. Review status: criteria provided, multiple submitters, no conflicts (2 of 4 stars). 8 submissions from 8 submitters: Pathogenic (6); Likely pathogenic (2). Last evaluated 2026-07-16.

Conditions:
Monogenic hearing loss.
STRC-related disorder. Also called: STRC-related condition.
Autosomal recessive nonsyndromic hearing loss 16. Also called: DEAFNESS, AUTOSOMAL RECESSIVE 16; DFNB16 Nonsyndromic Hearing Loss and Deafness. Identifiers: Orphanet 90636, MedGen C1863561, MONDO:0011364, OMIM 603720.

Allele frequency attached by ClinVar (database versions not stated): gnomAD 0.00001; TOPMed 0.00002; ExAC 0.00003; gnomAD exomes 0.00003.
gnomAD v4.1: 25 of 1,613,398 alleles (0.0015%); highest among the groups gnomAD compares: Admixed American, 0.0083%; no homozygotes.

Submissions (8):

Genetics Laboratory, Great Ormond Street Hospital NHS Foundation Trust, North Thames Genomic Laboratory Hub
Classification: Pathogenic for Monogenic hearing loss. Last evaluated: 2026-07-16. Review status: criteria provided, single submitter. Criteria: ACGS Best Practice Guidelines for Variant Classification in Rare Disease 2024 v1.2. Collection method: clinical testing. Allele origin: germline. Affected: yes.
Comment: PM2_moderate, PVS1_very-strong, PM3_moderate

CeGaT Center for Human Genetics Tuebingen
Classification: Pathogenic. Last evaluated: 2025-12-01. Review status: criteria provided, single submitter. Criteria: CeGaT Center For Human Genetics Tuebingen Variant Classification Criteria Version 2. Collection method: clinical testing. Allele origin: germline. Affected: yes. Observed: 1 variant allele.
Comment: STRC: PVS1, PM3:Strong, PM2

GeneDx
Classification: Pathogenic. Last evaluated: 2025-11-08. Review status: criteria provided, single submitter. Criteria: GeneDx Variant Classification Process June 2021. Collection method: clinical testing. Allele origin: germline.
Comment: Nonsense variant predicted to result in protein truncation or nonsense mediated decay in a gene for which loss of function is a known mechanism of disease; This variant is associated with the following publications: (PMID: 32991204, 36633841, 38523675)

3billion
Classification: Pathogenic for Autosomal recessive nonsyndromic hearing loss 16. Last evaluated: 2025-07-07. Review status: criteria provided, single submitter. Criteria: ACMG Guidelines, 2015. Collection method: clinical testing. Allele origin: germline. Affected: yes.
Comment: The variant is observed at an extremely low frequency in the gnomAD v4.1.0 dataset (total allele frequency: 0.002%). Predicted Consequence/Location: Stop-gained (nonsense): predicted to result in a loss or disruption of normal protein function through nonsense-mediated decay (NMD) or protein truncation. Multiple pathogenic variants are reported downstream of the variant. The variant has been reported at least twice as pathogenic with clinical assertions and evidence for the classification (ClinVar ID: VCV000618400 /PMID: 32991204). Therefore, this variant is classified as Pathogenic according to the recommendation of ACMG/AMP guideline.

First Genomix Gene Laboratory, Genetic Diagnostics Department
Classification: Likely pathogenic for Autosomal recessive nonsyndromic hearing loss 16. Last evaluated: 2025-05-28. Review status: criteria provided, single submitter. Criteria: ACMG Guidelines, 2015. Collection method: clinical testing. Allele origin: germline. Inheritance: Autosomal recessive inheritance. Affected: no. Observed: 1 variant allele.

Blueprint Genetics
Classification: Pathogenic for STRC-related disorders. Last evaluated: 2023-09-08. Review status: criteria provided, single submitter. Criteria: ACMG Guidelines, 2015. Collection method: clinical testing. Allele origin: germline. Affected: yes. Observed: 4 variant alleles.

King Laboratory, University of Washington
Classification: Pathogenic for Autosomal recessive nonsyndromic hearing loss 16. Last evaluated: 2023-02-28. Review status: criteria provided, single submitter. Criteria: Li et al. (Genet Med. 2022). Collection method: research. Allele origin: unknown. Affected: yes.
Comment: This variant occurred in compound heterozygosity with an STRC full gene deletion in a patient with bilateral sensorineural hearing loss of onset <18 years, in a study of pediatric hearing loss conducted by the King Laboratory (Carlson RJ et al. JAMA-OtoHNS 2023). This variant is a nonsense leading to an early stop at position 1338 of 1775 in the stereocilin protein. As of January 2023, this variant has been reported to ClinVar as likely pathogenic and is found in 9 heterozygotes on gnomAD. Based on the prediction that this variant leads to a truncated protein, compound heterozygosity with a loss-of-function variant, and goodness of fit of genotype to phenotype, we conclude that this variant is pathogenic.

ARUP Laboratories, Molecular Genetics and Genomics, ARUP Laboratories
Classification: Likely pathogenic. Last evaluated: 2017-06-07. Review status: criteria provided, single submitter. Criteria: ARUP Molecular Germline Variant Investigation Process. Collection method: clinical testing. Allele origin: germline.
Comment: The p.Arg1338Ter variant (rs755471554) has not been reported in the medical literature, gene specific variation databases, nor has it been previously identified by our laboratory. The c.4012C>T variant creates a termination codon in the STRC protein at codon 1338 in exon 20 out of 29 which is predicted to result in a truncated or absent protein product. This variant is listed in the genome Aggregation Database (gnomAD) with an overall population frequency of 0.01 percent (identified on 5 out of 34,394 chromosomes). Based on these observations, the p.Arg1338Ter has been classified as likely pathogenic.

Literature cited by the submitters: PubMed 32991204 (cited by 3billion); PubMed 36633841 (cited by King Laboratory, University of Washington).

NM_153700.2(STRC):c.4012C>T (p.Arg1338Ter)

Gene: STRC (stereocilin; minus strand). Cytogenetic location: 15q15.3.
Variant type: single nucleotide variant.
Coding change: c.4012C>T on transcript NM_153700.2 (MANE Select); coding-DNA position 4012, C replaced by T.
Protein change: p.Arg1338Ter; replaces arginine 1338 with a stop codon.
Molecular consequence: nonsense.
Genome position (GRCh38, 1-based): chr15:43,604,765, G>A on the plus strand (C>T on the coding strand, the complement: STRC is on the minus strand). VCF-style: chr15-43604765-G-A. GRCh37 (hg19) VCF-style: chr15-43896963-G-A.
Other names: short protein forms R1338*.
Identifiers: ClinVar variation 618400 (VCV000618400.19), dbSNP rs755471554, ClinGen allele CA7528173.